The following is an entry in ClinVar:

NM_021957.4(GYS2):c.279C>G (p.Asp93Glu)

Gene: GYS2 (glycogen synthase 2; minus strand). Cytogenetic location: 12p12.1.
Variant type: single nucleotide variant.
Coding change: c.279C>G on transcript NM_021957.4 (MANE Select); coding-DNA position 279, C replaced by G.
Protein change: p.Asp93Glu; replaces aspartic acid 93 with glutamic acid.
Molecular consequence: missense variant.
Genome position (GRCh38, 1-based): chr12:21,580,366, G>C on the plus strand (C>G on the coding strand, the complement: GYS2 is on the minus strand). VCF-style: chr12-21580366-G-C. GRCh37 (hg19) VCF-style: chr12-21733300-G-C.
Other names: p.D93E:GAC>GAG; short protein forms D93E.
Identifiers: ClinVar variation 214522 (VCV000214522.1), dbSNP rs779704436, ClinGen allele CA321416.

ClinVar aggregate classification (germline): Likely benign (1 of 4 stars; one submission).

gnomAD v4.1: 2 of 1,613,438 alleles (0.00012%); highest among the groups gnomAD compares: Non-Finnish European, 0.00017%; no homozygotes.

Submission:

GeneDx
Classification: Likely benign. Last evaluated: 2014-07-16. Review status: criteria provided, single submitter. Criteria: GeneDx Variant Classification (06012015). Collection method: clinical testing. Allele origin: germline. Affected: yes.
Comment: This variant is considered likely benign or benign based on one or more of the following criteria: it is a conservative change, it occurs at a poorly conserved position in the protein, it is predicted to be benign by multiple in silico algorithms, and/or has population frequency not consistent with disease.